The following is an entry in ClinVar:

ClinVar aggregate classification (germline): Uncertain significance. Review status: criteria provided, multiple submitters, no conflicts (2 of 4 stars). 2 submissions from 2 submitters: Uncertain significance (2). Last evaluated 2026-01-04.

Conditions:
Ataxia-telangiectasia syndrome (AT). Also called: LOUIS-BAR SYNDROME; Cerebello-oculocutaneous telangiectasia; Immunodeficiency with ataxia telangiectasia; ATAXIA-TELANGIECTASIA, COMPLEMENTATION GROUP A; ATAXIA-TELANGIECTASIA, FRESNO VARIANT; Ataxia-telangiectasia. Identifiers: Orphanet 100, MedGen C0004135, MONDO:0008840, OMIM 208900.
Hereditary cancer-predisposing syndrome. Also called: Tumor predisposition; Hereditary Cancer Syndrome; Neoplastic Syndromes, Hereditary; Hereditary neoplastic syndrome. Identifiers: Orphanet 140162, MedGen C0027672, MeSH D009386, MONDO:0015356.

Submissions (2):

Labcorp Genetics (formerly Invitae), Labcorp
Classification: Uncertain significance for Ataxia-telangiectasia syndrome. Last evaluated: 2026-01-04. Review status: criteria provided, single submitter. Criteria: Invitae Variant Classification Sherloc (09022015). Collection method: clinical testing. Allele origin: germline.
Comment: This sequence change replaces phenylalanine, which is neutral and non-polar, with leucine, which is neutral and non-polar, at codon 2796 of the ATM protein (p.Phe2796Leu). This variant is not present in population databases (gnomAD no frequency). This variant has not been reported in the literature in individuals affected with ATM-related conditions. ClinVar contains an entry for this variant (Variation ID: 3452463). Invitae Evidence Modeling of protein sequence and biophysical properties (such as structural, functional, and spatial information, amino acid conservation, physicochemical variation, residue mobility, and thermodynamic stability) indicates that this missense variant is not expected to disrupt ATM protein function with a negative predictive value of 95%. In summary, the available evidence is currently insufficient to determine the role of this variant in disease. Therefore, it has been classified as a Variant of Uncertain Significance.

Ambry Genetics
Classification: Uncertain significance for Hereditary cancer-predisposing syndrome. Last evaluated: 2024-11-05. Review status: criteria provided, single submitter. Criteria: Ambry Variant Classification Scheme 2023. Collection method: clinical testing. Allele origin: germline.
Comment: The p.F2796L variant (also known as c.8388C>G), located in coding exon 56 of the ATM gene, results from a C to G substitution at nucleotide position 8388. The phenylalanine at codon 2796 is replaced by leucine, an amino acid with highly similar properties. This amino acid position is conserved. In addition, this alteration is predicted to be tolerated by in silico analysis. Based on the available evidence, the clinical significance of this variant remains unclear.

NM_000051.4(ATM):c.8388C>G (p.Phe2796Leu)

Genes: ATM (ATM serine/threonine kinase; plus strand), C11orf65 (chromosome 11 open reading frame 65; minus strand). Cytogenetic location: 11q22.3.
Variant type: single nucleotide variant.
Coding change: c.8388C>G on transcript NM_000051.4 (MANE Select); coding-DNA position 8388, C replaced by G.
Protein change: p.Phe2796Leu; replaces phenylalanine 2796 with leucine.
Molecular consequence: missense variant. On other transcripts: intron variant (2).
Genome position (GRCh38, 1-based): chr11:108,343,341, C>G. VCF-style: chr11-108343341-C-G. GRCh37 (hg19) VCF-style: chr11-108214068-C-G.
Other names: c.8388C>G, p.Phe2796Leu (NM_001351834.2); c.641-34270G>C (NM_001330368.2); c.695-8049G>C (NM_001351110.2); short protein forms F2796L.
Identifiers: ClinVar variation 3452463 (VCV003452463.1).